The following is an entry in ClinVar:

ClinVar aggregate classification (germline): Likely benign. Review status: criteria provided, multiple submitters, no conflicts (2 of 4 stars). 2 submissions from 2 submitters: Likely benign (2). Last evaluated 2026-01-09.

Conditions:
Joubert syndrome. Also called: Familial aplasia of the vermis; JOUBERT-BOLTSHAUSER SYNDROME. Identifiers: Orphanet 475, MedGen C5979921, MONDO:0018772.
INPP5E-related disorder. Also called: INPP5E-related condition.

gnomAD v4.1: 2 of 1,577,832 alleles (0.00013%); highest among the groups gnomAD compares: African/African-American, 0.0013%; no homozygotes.

Submissions (2):

PreventionGenetics, part of Exact Sciences
Classification: Likely benign for INPP5E-related condition. Last evaluated: 2026-01-09. Review status: criteria provided, single submitter. Criteria: ACMG Guidelines, 2015. Collection method: clinical testing. Allele origin: germline.
Comment: This variant is classified as likely benign based on ACMG/AMP sequence variant interpretation guidelines (Richards et al. 2015 PMID: 25741868, with internal and published modifications).

Labcorp Genetics (formerly Invitae), Labcorp
Classification: Likely benign for Joubert syndrome. Last evaluated: 2024-11-07. Review status: criteria provided, single submitter. Criteria: Invitae Variant Classification Sherloc (09022015). Collection method: clinical testing. Allele origin: germline.

NM_019892.6(INPP5E):c.450G>A (p.Glu150=)

Gene: INPP5E (inositol polyphosphate-5-phosphatase E; minus strand). Cytogenetic location: 9q34.3.
Variant type: single nucleotide variant.
Coding change: c.450G>A on transcript NM_019892.6 (MANE Select); coding-DNA position 450, G replaced by A.
Protein change: p.Glu150=; no amino-acid change (glutamic acid 150 retained).
Molecular consequence: synonymous variant.
Genome position (GRCh38, 1-based): chr9:136,438,970, C>T on the plus strand (G>A on the coding strand, the complement: INPP5E is on the minus strand). VCF-style: chr9-136438970-C-T. GRCh37 (hg19) VCF-style: chr9-139333422-C-T.
Other names: c.450G>A (NM_019892.5); c.450G>A, p.Glu150= (NM_001318502.2).
Identifiers: ClinVar variation 3722996 (VCV003722996.3).